The following is an entry in ClinVar:

NM_001354604.2(MITF):c.1424del (p.Thr475fs)

Gene: MITF (melanocyte inducing transcription factor; plus strand). Cytogenetic location: 3p13.
Variant type: Deletion.
Coding change: c.1424del on transcript NM_001354604.2 (MANE Select); coding-DNA position 1424, one base deleted (C; older notation c.1424delC).
Protein change: p.Thr475fs; shifts the reading frame from threonine 475.
Molecular consequence: frameshift variant.
Genome position (GRCh38, 1-based): chr3:69,965,091, C deleted. VCF-style (leftmost placement, unchanged base first): chr3-69965090-AC-A. GRCh37 (hg19) VCF-style: chr3-70014241-AC-A.
Other names: c.1103del, p.Thr368fs (NM_000248.4); c.1250del, p.Thr417fs (NM_001184967.2, NM_001354608.2); c.1421del, p.Thr474fs (NM_001354605.2); c.1403del, p.Thr468fs (NM_001354606.2, NM_006722.3); c.1355del, p.Thr452fs (NM_001354607.2); c.1085del, p.Thr362fs (NM_198158.3); c.1406del, p.Thr469fs (NM_198159.3); c.1358del, p.Thr453fs (NM_198177.3); and 1 more; short protein forms T306fs, T362fs, T417fs, T468fs, T474fs, T453fs, T469fs, T475fs.
Identifiers: ClinVar variation 4785886 (VCV004785886.1).

ClinVar aggregate classification (germline): Uncertain significance (1 of 4 stars; one submission).

Conditions:
Melanoma, cutaneous malignant, susceptibility to, 8. Also called: MELANOMA AND RENAL CELL CARCINOMA, SUSCEPTIBILITY TO; Cutaneous malignant melanoma 8. Identifiers: Orphanet 293822, MedGen C3152204, MONDO:0013759, OMIM 614456.
Tietz syndrome (TADS). Also called: TIETZ ALBINISM-DEAFNESS SYNDROME; ALBINISM-DEAFNESS OF TIETZ; HYPOPIGMENTATION/DEAFNESS OF TIETZ. Identifiers: Orphanet 42665, MedGen C0391816, MONDO:0007077, OMIM 103500.
Waardenburg syndrome type 2A (WS2A). Also called: WAARDENBURG SYNDROME WITHOUT DYSTOPIA CANTHORUM. Identifiers: Orphanet 3440, MedGen C1860339, MONDO:0008671, OMIM 193510.

Submission:

Labcorp Genetics (formerly Invitae), Labcorp
Classification: Uncertain significance for Melanoma, cutaneous malignant, susceptibility to, 8; Waardenburg syndrome type 2A; Tietz syndrome. Last evaluated: 2025-08-17. Review status: criteria provided, single submitter. Criteria: Invitae Variant Classification Sherloc (09022015). Collection method: clinical testing. Allele origin: germline.
Comment: This sequence change creates a premature translational stop signal (p.Thr368Lysfs*11) in the MITF gene. While this is not anticipated to result in nonsense mediated decay, it is expected to disrupt the last 52 amino acid(s) of the MITF protein. This variant is not present in population databases (gnomAD no frequency). This variant has not been reported in the literature in individuals affected with MITF-related conditions. Experimental studies and prediction algorithms are not available or were not evaluated, and the functional significance of this variant is currently unknown. In summary, the available evidence is currently insufficient to determine the role of this variant in disease. Therefore, it has been classified as a Variant of Uncertain Significance.